The following is an entry in ClinVar:

ClinVar aggregate classification (germline): Conflicting classifications of pathogenicity. Review status: criteria provided, conflicting classifications (1 of 4 stars). 8 submissions from 8 submitters: Uncertain significance (1); Benign (2); Likely benign (3). 2 of the submissions do not count toward it. Last evaluated 2025-09-10.

Conditions:
Townes syndrome (TBS). Also called: Townes-Brocks syndrome. Identifiers: Orphanet 857, MedGen C0265246, MeSH C536974, MONDO:0007142.

Allele frequency attached by ClinVar (database versions not stated): ESP Exome Variant Server 0.00023; ExAC 0.00036; gnomAD exomes 0.00041 and 0.00045; 1000 Genomes Project 30x 0.00078; 1000 Genomes Project 0.00080; gnomAD 0.00092 and 0.00093; TOPMed 0.00178.
gnomAD v4.1: 844 of 1,613,810 alleles (0.052%); highest among the groups gnomAD compares: Middle Eastern, 0.56%; 5 homozygotes.

Submissions (8):

Labcorp Genetics (formerly Invitae), Labcorp
Classification: Benign for Townes syndrome. Last evaluated: 2025-09-10. Review status: criteria provided, single submitter. Criteria: Invitae Variant Classification Sherloc (09022015). Collection method: clinical testing. Allele origin: germline.

Blueprint Genetics
Classification: Likely benign. Last evaluated: 2024-11-04. Review status: criteria provided, single submitter. Criteria: ACMG Guidelines, 2015. Collection method: clinical testing. Allele origin: germline.

CeGaT Center for Human Genetics Tuebingen
Classification: Likely benign. Last evaluated: 2024-05-01. Review status: criteria provided, single submitter. Criteria: CeGaT Center For Human Genetics Tuebingen Variant Classification Criteria Version 2. Collection method: clinical testing. Allele origin: germline. Affected: yes. Observed: 3 variant alleles.
Comment: SALL1: BP4, BP7

GeneDx
Classification: Benign. Last evaluated: 2019-05-31. Review status: criteria provided, single submitter. Criteria: GeneDx Variant Classification Process June 2021. Collection method: clinical testing. Allele origin: germline. Affected: yes.

Eurofins Ntd Llc (ga)
Classification: Uncertain significance. Last evaluated: 2018-07-31. Review status: criteria provided, single submitter. Criteria: EGL ClinVar v180209 classification definitions. Collection method: clinical testing. Allele origin: germline. Observed: 1 variant allele, 1 heterozygote.

Genetic Services Laboratory, University of Chicago
Classification: Likely benign. Last evaluated: 2017-08-24. Review status: criteria provided, single submitter. Criteria: ACMG Guidelines, 2015. Collection method: clinical testing. Allele origin: germline. Affected: no.

Clinical Genetics DNA and cytogenetics Diagnostics Lab, Erasmus MC, Erasmus Medical Center
Classification: Likely benign. Review status: no assertion criteria provided. Collection method: clinical testing. Allele origin: germline. Affected: yes. Study: VKGL Data-share Consensus. Not counted in ClinVar's aggregate classification.

Genome Diagnostics Laboratory, University Medical Center Utrecht
Classification: Likely benign. Review status: no assertion criteria provided. Collection method: clinical testing. Allele origin: germline. Affected: yes. Study: VKGL Data-share Consensus. Not counted in ClinVar's aggregate classification.

NM_002968.3(SALL1):c.411C>T (p.Ser137=)

Gene: SALL1 (spalt like transcription factor 1; minus strand). Cytogenetic location: 16q12.1.
Variant type: single nucleotide variant.
Coding change: c.411C>T on transcript NM_002968.3 (MANE Select); coding-DNA position 411, C replaced by T.
Protein change: p.Ser137=; no amino-acid change (serine 137 retained).
Molecular consequence: synonymous variant.
Genome position (GRCh38, 1-based): chr16:51,141,811, G>A on the plus strand (C>T on the coding strand, the complement: SALL1 is on the minus strand). VCF-style: chr16-51141811-G-A. GRCh37 (hg19) VCF-style: chr16-51175722-G-A.
Other names: c.120C>T, p.Ser40= (NM_001127892.2).
Identifiers: ClinVar variation 598081 (VCV000598081.48), dbSNP rs151051011, ClinGen allele CA8053492.